The following is an entry in ClinVar:

ClinVar aggregate classification (germline): Conflicting classifications of pathogenicity. Review status: criteria provided, conflicting classifications (1 of 4 stars). 4 submissions from 4 submitters: Uncertain significance (2); Likely benign (1). 1 of the submissions does not count toward it. Last evaluated 2025-04-19.

Conditions:
IFT172-related disorder. Also called: IFT172-related disorders; IFT172-related condition.
Short-rib thoracic dysplasia 10 with or without polydactyly (SRTD10). Identifiers: Orphanet 474, MedGen C3810175, MONDO:0014284, OMIM 615630.
Retinitis pigmentosa 71 (RP71). Identifiers: Orphanet 791, MedGen C4225342, MONDO:0014618, OMIM 616394.
Inborn genetic diseases. Identifiers: MedGen C0950123, MeSH D030342.

Allele frequency attached by ClinVar (database versions not stated): gnomAD 0.00001 and 0.00003; gnomAD exomes 0.00002 and 0.00006; TOPMed 0.00002; ExAC 0.00005.
gnomAD v4.1: 40 of 1,613,962 alleles (0.0025%); highest among the groups gnomAD compares: Middle Eastern, 0.033%; 1 homozygote.

Submissions (4):

Ambry Genetics
Classification: Likely benign for Inborn genetic diseases. Last evaluated: 2025-04-19. Review status: criteria provided, single submitter. Criteria: Ambry Variant Classification Scheme 2023. Collection method: clinical testing. Allele origin: germline.

Labcorp Genetics (formerly Invitae), Labcorp
Classification: Uncertain significance for Retinitis pigmentosa 71; Short-rib thoracic dysplasia 10 with or without polydactyly. Last evaluated: 2024-08-12. Review status: criteria provided, single submitter. Criteria: Invitae Variant Classification Sherloc (09022015). Collection method: clinical testing. Allele origin: germline.
Comment: This sequence change replaces arginine, which is basic and polar, with glutamine, which is neutral and polar, at codon 271 of the IFT172 protein (p.Arg271Gln). This variant is present in population databases (rs375847990, gnomAD 0.03%). This variant has not been reported in the literature in individuals affected with IFT172-related conditions. ClinVar contains an entry for this variant (Variation ID: 942319). Advanced modeling of protein sequence and biophysical properties (such as structural, functional, and spatial information, amino acid conservation, physicochemical variation, residue mobility, and thermodynamic stability) performed at Invitae indicates that this missense variant is not expected to disrupt IFT172 protein function with a negative predictive value of 80%. In summary, the available evidence is currently insufficient to determine the role of this variant in disease. Therefore, it has been classified as a Variant of Uncertain Significance.

Blueprint Genetics
Classification: Uncertain significance. Last evaluated: 2024-06-21. Review status: criteria provided, single submitter. Criteria: ACMG Guidelines, 2015. Collection method: clinical testing. Allele origin: germline.

PreventionGenetics, part of Exact Sciences
Classification: Uncertain significance for IFT172-related condition. Last evaluated: 2024-04-04. Review status: no assertion criteria provided. Collection method: clinical testing. Allele origin: germline. Not counted in ClinVar's aggregate classification.
Comment: The IFT172 c.812G>A variant is predicted to result in the amino acid substitution p.Arg271Gln. To our knowledge, this variant has not been reported in the literature. This variant is reported in 0.029% of alleles in individuals of South Asian descent in gnomAD. At this time, the clinical significance of this variant is uncertain due to the absence of conclusive functional and genetic evidence.

NM_015662.3(IFT172):c.812G>A (p.Arg271Gln)

Gene: IFT172 (intraflagellar transport 172; minus strand). Cytogenetic location: 2p23.3.
Variant type: single nucleotide variant.
Coding change: c.812G>A on transcript NM_015662.3 (MANE Select); coding-DNA position 812, G replaced by A.
Protein change: p.Arg271Gln; replaces arginine 271 with glutamine.
Molecular consequence: missense variant.
Genome position (GRCh38, 1-based): chr2:27,480,123, C>T on the plus strand (G>A on the coding strand, the complement: IFT172 is on the minus strand). VCF-style: chr2-27480123-C-T. GRCh37 (hg19) VCF-style: chr2-27702990-C-T.
Other names: c.812G>A (NM_015662.1); short protein forms R271Q.
Identifiers: ClinVar variation 942319 (VCV000942319.9), dbSNP rs375847990, ClinGen allele CA1580853.